The following is an entry in ClinVar:

ClinVar aggregate classification (germline): Uncertain significance (1 of 4 stars; one submission).

Submission:

GeneDx
Classification: Uncertain significance. Last evaluated: 2024-09-23. Review status: criteria provided, single submitter. Criteria: GeneDx Variant Classification Process June 2021. Collection method: clinical testing. Allele origin: germline. Affected: yes.
Comment: Not observed at significant frequency in large population cohorts (gnomAD); In silico analysis supports that this missense variant has a deleterious effect on protein structure/function; Has not been previously published as pathogenic or benign to our knowledge; This variant is associated with the following publications: (PMID: 38026792)

NM_000051.4(ATM):c.4460C>T (p.Ser1487Leu)

Gene: ATM (ATM serine/threonine kinase; plus strand). Cytogenetic location: 11q22.3.
Variant type: single nucleotide variant.
Coding change: c.4460C>T on transcript NM_000051.4 (MANE Select); coding-DNA position 4460, C replaced by T.
Protein change: p.Ser1487Leu; replaces serine 1487 with leucine.
Molecular consequence: missense variant.
Genome position (GRCh38, 1-based): chr11:108,292,642, C>T. VCF-style: chr11-108292642-C-T. GRCh37 (hg19) VCF-style: chr11-108163369-C-T.
Other names: c.4460C>T, p.Ser1487Leu (NM_001351834.2); short protein forms S1487L.
Identifiers: ClinVar variation 3774312 (VCV003774312.1).